The following is an entry in ClinVar:

NM_004859.4(CLTC):c.2048T>G (p.Val683Gly)

Gene: CLTC (clathrin heavy chain; plus strand). Cytogenetic location: 17q23.1.
Variant type: single nucleotide variant.
Coding change: c.2048T>G on transcript NM_004859.4 (MANE Select); coding-DNA position 2048, T replaced by G.
Protein change: p.Val683Gly; replaces valine 683 with glycine.
Molecular consequence: missense variant.
Genome position (GRCh38, 1-based): chr17:59,666,897, T>G. VCF-style: chr17-59666897-T-G. GRCh37 (hg19) VCF-style: chr17-57744258-T-G.
Other names: c.2060T>G, p.Val687Gly (NM_001288653.2); short protein forms V683G, V687G.
Identifiers: ClinVar variation 3696346 (VCV003696346.2).

ClinVar aggregate classification (germline): Uncertain significance (1 of 4 stars; one submission).

Submission:

Labcorp Genetics (formerly Invitae), Labcorp
Classification: Uncertain significance. Last evaluated: 2025-01-12. Review status: criteria provided, single submitter. Criteria: Invitae Variant Classification Sherloc (09022015). Collection method: clinical testing. Allele origin: germline.
Comment: This sequence change replaces valine, which is neutral and non-polar, with glycine, which is neutral and non-polar, at codon 687 of the CLTC protein (p.Val687Gly). This variant is not present in population databases (gnomAD no frequency). This variant has not been reported in the literature in individuals affected with CLTC-related conditions. Invitae Evidence Modeling of protein sequence and biophysical properties (such as structural, functional, and spatial information, amino acid conservation, physicochemical variation, residue mobility, and thermodynamic stability) indicates that this missense variant is expected to disrupt CLTC protein function with a positive predictive value of 80%. In summary, the available evidence is currently insufficient to determine the role of this variant in disease. Therefore, it has been classified as a Variant of Uncertain Significance.